The following is an entry in ClinVar:

NM_002010.3(FGF9):c.327C>T (p.Gly109=)

Gene: FGF9 (fibroblast growth factor 9; plus strand). Cytogenetic location: 13q12.11.
Variant type: single nucleotide variant.
Coding change: c.327C>T on transcript NM_002010.3 (MANE Select); coding-DNA position 327, C replaced by T.
Protein change: p.Gly109=; no amino-acid change (glycine 109 retained).
Molecular consequence: synonymous variant.
Genome position (GRCh38, 1-based): chr13:21,681,091, C>T. VCF-style: chr13-21681091-C-T. GRCh37 (hg19) VCF-style: chr13-22255230-C-T.
Identifiers: ClinVar variation 311423 (VCV000311423.15), dbSNP rs34748315, ClinGen allele CA6909465.

ClinVar aggregate classification (germline): Benign. Review status: criteria provided, multiple submitters, no conflicts (2 of 4 stars). 2 submissions from 2 submitters: Benign (2). Last evaluated 2026-01-12.

Conditions:
Multiple synostoses syndrome 3 (SYNS3). Identifiers: Orphanet 3237, MedGen C2751826, MONDO:0013064, OMIM 612961.

Allele frequency attached by ClinVar (database versions not stated): ESP Exome Variant Server 0.00115; gnomAD 0.00145 and 0.00151; TOPMed 0.00176; 1000 Genomes Project 0.00280; 1000 Genomes Project 30x 0.00328.
gnomAD v4.1: 656 of 1,613,998 alleles (0.041%); highest among the groups gnomAD compares: African/African-American, 0.47%; 4 homozygotes.

Submissions (4):

Labcorp Genetics (formerly Invitae), Labcorp
Classification: Benign. Last evaluated: 2026-01-12. Review status: criteria provided, single submitter. Criteria: Invitae Variant Classification Sherloc (09022015). Collection method: clinical testing. Allele origin: germline.

Illumina Laboratory Services, Illumina
Classification: Benign for Multiple synostoses syndrome 3. Last evaluated: 2018-01-13. Review status: criteria provided, single submitter. Criteria: ICSL Variant Classification Criteria 13 December 2019. Collection method: clinical testing. Allele origin: germline.
Comment: This variant was observed in the ICSL laboratory as part of a predisposition screen in an ostensibly healthy population. It had not been previously curated by ICSL or reported in the Human Gene Mutation Database (HGMD: prior to June 1st, 2018), and was therefore a candidate for classification through an automated scoring system. Utilizing variant allele frequency, disease prevalence and penetrance estimates, and inheritance mode, an automated score was calculated to assess if this variant is too frequent to cause the disease. Based on the score and internal cut-off values, a variant classified as benign is not then subjected to further curation. The score for this variant resulted in a classification of benign for this disease.

Dr. Peter K. Rogan Lab, Western University
No classification provided (evidence only). Condition: Thyroid cancer, nonmedullary, 1. Review status: no classification provided. Collection method: in vitro. Allele origin: not applicable. Functional consequence: retained intron. Not counted in ClinVar's aggregate classification.

Dr. Peter K. Rogan Lab, Western University
No classification provided (evidence only). Condition: Nonpapillary renal cell carcinoma. Review status: no classification provided. Collection method: in vitro. Allele origin: not applicable. Functional consequence: retained intron. Not counted in ClinVar's aggregate classification.